The following is an entry in ClinVar:

ClinVar aggregate classification (germline): Uncertain significance (0 of 4 stars; one submission).

Conditions:
VPS13B-related disorder. Also called: VPS13B-related condition.

gnomAD v4.1: 1 of 1,613,564 alleles (0.000062%); highest among the groups gnomAD compares: Non-Finnish European, 0.000085%; no homozygotes.

Submission:

PreventionGenetics, part of Exact Sciences
Classification: Uncertain significance for VPS13B-related condition. Last evaluated: 2023-10-18. Review status: no assertion criteria provided. Collection method: clinical testing. Allele origin: germline.
Comment: The VPS13B c.11740G>A variant is predicted to result in the amino acid substitution p.Val3914Met. To our knowledge, this variant has not been reported in the literature or in a large population database, indicating this variant is rare. At this time, the clinical significance of this variant is uncertain due to the absence of conclusive functional and genetic evidence.

NM_152564.5(VPS13B):c.11740G>A (p.Val3914Met)

Gene: VPS13B (vacuolar protein sorting 13 homolog B; plus strand). Cytogenetic location: 8q22.2.
Variant type: single nucleotide variant.
Coding change: c.11740G>A on transcript NM_152564.5 (MANE Select); coding-DNA position 11740, G replaced by A.
Protein change: p.Val3914Met; replaces valine 3914 with methionine.
Molecular consequence: missense variant.
Genome position (GRCh38, 1-based): chr8:99,871,692, G>A. VCF-style: chr8-99871692-G-A. GRCh37 (hg19) VCF-style: chr8-100883920-G-A.
Other names: c.11815G>A, p.Val3939Met (NM_017890.5); short protein forms V3914M, V3939M.
Identifiers: ClinVar variation 3353973 (VCV003353973.1).